The following is an entry in ClinVar:

NM_012301.4(MAGI2):c.2090G>A (p.Arg697Gln)

Gene: MAGI2 (membrane associated guanylate kinase, WW and PDZ domain containing 2; minus strand). Cytogenetic location: 7q21.11.
Variant type: single nucleotide variant.
Coding change: c.2090G>A on transcript NM_012301.4 (MANE Select); coding-DNA position 2090, G replaced by A.
Protein change: p.Arg697Gln; replaces arginine 697 with glutamine.
Molecular consequence: missense variant.
Genome position (GRCh38, 1-based): chr7:78,195,053, C>T on the plus strand (G>A on the coding strand, the complement: MAGI2 is on the minus strand). VCF-style: chr7-78195053-C-T. GRCh37 (hg19) VCF-style: chr7-77824370-C-T.
Other names: c.2090G>A, p.Arg697Gln (NM_001301128.2); short protein forms R697Q.
Identifiers: ClinVar variation 2167919 (VCV002167919.4), dbSNP rs199834618, ClinGen allele CA4313875.

ClinVar aggregate classification (germline): Uncertain significance (1 of 4 stars; one submission).

Allele frequency attached by ClinVar (database versions not stated): ExAC 0.00003; gnomAD 0.00003; TOPMed 0.00004.
gnomAD v4.1: 82 of 1,605,296 alleles (0.0051%); highest among the groups gnomAD compares: East Asian, 0.02%; no homozygotes.

Submission:

Labcorp Genetics (formerly Invitae), Labcorp
Classification: Uncertain significance. Last evaluated: 2022-03-15. Review status: criteria provided, single submitter. Criteria: Invitae Variant Classification Sherloc (09022015). Collection method: clinical testing. Allele origin: germline.
Comment: This sequence change replaces arginine, which is basic and polar, with glutamine, which is neutral and polar, at codon 697 of the MAGI2 protein (p.Arg697Gln). In summary, the available evidence is currently insufficient to determine the role of this variant in disease. Therefore, it has been classified as a Variant of Uncertain Significance. Algorithms developed to predict the effect of missense changes on protein structure and function are either unavailable or do not agree on the potential impact of this missense change (SIFT: "Deleterious"; PolyPhen-2: "Benign"; Align-GVGD: "Class C35"). This variant has not been reported in the literature in individuals affected with MAGI2-related conditions. This variant is present in population databases (rs199834618, gnomAD 0.006%).